The following is an entry in ClinVar:

ClinVar aggregate classification (germline): Uncertain significance (1 of 4 stars; one submission).

Submission:

Labcorp Genetics (formerly Invitae), Labcorp
Classification: Uncertain significance. Last evaluated: 2022-07-26. Review status: criteria provided, single submitter. Criteria: Invitae Variant Classification Sherloc (09022015). Collection method: clinical testing. Allele origin: germline.
Comment: This sequence change replaces methionine, which is neutral and non-polar, with leucine, which is neutral and non-polar, at codon 413 of the TUBA1A protein (p.Met413Leu). This variant is not present in population databases (gnomAD no frequency). This variant has not been reported in the literature in individuals affected with TUBA1A-related conditions. ClinVar contains an entry for this variant (Variation ID: 1378050). Algorithms developed to predict the effect of missense changes on protein structure and function are either unavailable or do not agree on the potential impact of this missense change (SIFT: "Deleterious"; PolyPhen-2: "Probably Damaging"; Align-GVGD: "Class C0"). This variant disrupts the p.Met413 amino acid residue in TUBA1A. Other variant(s) that disrupt this residue have been determined to be pathogenic (Invitae). This suggests that this residue is clinically significant, and that variants that disrupt this residue are likely to be disease-causing. In summary, the available evidence is currently insufficient to determine the role of this variant in disease. Therefore, it has been classified as a Variant of Uncertain Significance.

NM_006009.4(TUBA1A):c.1237A>T (p.Met413Leu)

Gene: TUBA1A (tubulin alpha 1a; minus strand). Cytogenetic location: 12q13.12.
Variant type: single nucleotide variant.
Coding change: c.1237A>T on transcript NM_006009.4 (MANE Select); coding-DNA position 1237, A replaced by T.
Protein change: p.Met413Leu; replaces methionine 413 with leucine.
Molecular consequence: missense variant.
Genome position (GRCh38, 1-based): chr12:49,185,129, T>A on the plus strand (A>T on the coding strand, the complement: TUBA1A is on the minus strand). VCF-style: chr12-49185129-T-A. GRCh37 (hg19) VCF-style: chr12-49578912-T-A.
Other names: c.1237A>T, p.Met413Leu (NM_001270399.2); c.1132A>T, p.Met378Leu (NM_001270400.2); short protein forms M378L, M413L.
Identifiers: ClinVar variation 1378050 (VCV001378050.8), dbSNP rs2121241343, ClinGen allele CA384634285.
Genomic context (GRCh38, chr12:49,185,129, plus strand): 5'-CATAATCCTTCTCAAGGGCAGCCATGTCCTCACGGGCCTCTGAAAACTCACCTTCCTCCA[T>A]CCCCTCCCCAACGTACCAGTGAACAAAGGCACGTTTGGCATACATCAGGTCAAACTTGTG-3'
Protein context (NP_006000.2, residues 403-423): AFVHWYVGEG[Met413Leu]EEGEFSEARE